The following is an entry in ClinVar:

ClinVar aggregate classification (germline): Uncertain significance (1 of 4 stars; one submission).

gnomAD v4.1: 6 of 1,613,876 alleles (0.00037%); highest among the groups gnomAD compares: Non-Finnish European, 0.00051%; no homozygotes.

Submission:

Women's Health and Genetics/Laboratory Corporation of America, LabCorp
Classification: Uncertain significance. Last evaluated: 2026-03-27. Review status: criteria provided, single submitter. Criteria: LabCorp Variant Classification Summary - May 2015. Collection method: clinical testing. Allele origin: germline.
Comment: Variant summary: DDC c.254C>T (p.Ser85Leu) results in a non-conservative amino acid change in the encoded protein sequence. Algorithms developed to predict the effect of missense changes on protein structure and function are either unavailable or do not agree on the potential impact of this missense change. The variant allele was found at a frequency of 4e-06 in 250896 control chromosomes. c.254C>T has been observed in the compound heterozygous state in at least 2 related individual(s) affected with Deficiency Of Aromatic-L-Amino-Acid Decarboxylase (example, Hasegawa_2021) where it segregated with disease. These data indicate that the variant may be associated with disease. To our knowledge, no experimental evidence demonstrating an impact on protein function has been reported. The following publication has been ascertained in the context of this evaluation (PMID: 34481663). No submitters have cited clinical-significance assessments for this variant to ClinVar. Based on the evidence outlined above, the variant was classified as VUS-possibly pathogenic.

Literature cited by the submitters: PubMed 36427457; PubMed 37348148; PubMed 37453860; PubMed 39166734; PubMed 38192810; PubMed 36268467; PubMed 38193892; PubMed 34481663.

NM_001082971.2(DDC):c.254C>T (p.Ser85Leu)

Genes: DDC (dopa decarboxylase; minus strand), DDC-AS1 (DDC antisense RNA 1; plus strand). Cytogenetic location: 7p12.1.
Variant type: single nucleotide variant.
Coding change: c.254C>T on transcript NM_001082971.2 (MANE Select); coding-DNA position 254, C replaced by T.
Protein change: p.Ser85Leu; replaces serine 85 with leucine.
Molecular consequence: missense variant. On other transcripts: non-coding transcript variant (1), intron variant (2).
Genome position (GRCh38, 1-based): chr7:50,539,976, G>A on the plus strand (C>T on the coding strand, the complement: DDC is on the minus strand). VCF-style: chr7-50539976-G-A. GRCh37 (hg19) VCF-style: chr7-50607674-G-A.
Other names: c.254C>T, p.Ser85Leu (NM_000790.4, NM_001242887.2, NM_001242889.2 and 1 more transcripts); c.201+3909C>T (NM_001242888.2); c.202-1997C>T (NM_001242886.2); short protein forms S85L.
Identifiers: ClinVar variation 4847632 (VCV004847632.1).